The following is an entry in ClinVar:

NM_002180.3(IGHMBP2):c.1060+2T>C

Gene: IGHMBP2 (immunoglobulin mu DNA binding protein 2; plus strand). Cytogenetic location: 11q13.3.
Variant type: single nucleotide variant.
Coding change: c.1060+2T>C on transcript NM_002180.3 (MANE Select); the canonical splice donor site of the intron after coding-DNA position 1060, T replaced by C.
Molecular consequence: splice donor variant.
Genome position (GRCh38, 1-based): chr11:68,917,885, T>C. VCF-style: chr11-68917885-T-C. GRCh37 (hg19) VCF-style: chr11-68685353-T-C.
Identifiers: ClinVar variation 245626 (VCV000245626.2), dbSNP rs879253886, ClinGen allele CA10584388.

ClinVar aggregate classification (germline): Pathogenic (1 of 4 stars; one submission).

Submission:

GeneDx
Classification: Pathogenic. Last evaluated: 2016-03-25. Review status: criteria provided, single submitter. Criteria: GeneDx Variant Classification (06012015). Collection method: clinical testing. Allele origin: germline. Affected: yes.
Comment: The c.1060+2 T>C splice site variant in the IGHMBP2 gene destroys the canonical splice donor site in intron 7. It is predicted to cause abnormal gene splicing, either leading to an abnormal message that is subject to nonsense-mediated mRNA decay, or to an abnormal protein product if the message is used for protein translation. Based on the above information, it is expected to be a pathogenic variant.